The following is an entry in ClinVar:

NM_000256.3(MYBPC3):c.2014C>T (p.Pro672Ser)

Gene: MYBPC3 (myosin binding protein C3; minus strand). Cytogenetic location: 11p11.2.
Variant type: single nucleotide variant.
Coding change: c.2014C>T on transcript NM_000256.3 (MANE Select); coding-DNA position 2014, C replaced by T.
Protein change: p.Pro672Ser; replaces proline 672 with serine.
Molecular consequence: missense variant.
Genome position (GRCh38, 1-based): chr11:47,339,704, G>A on the plus strand (C>T on the coding strand, the complement: MYBPC3 is on the minus strand). VCF-style: chr11-47339704-G-A. GRCh37 (hg19) VCF-style: chr11-47361255-G-A.
Other names: short protein forms P672S.
Identifiers: ClinVar variation 3015943 (VCV003015943.3), dbSNP rs2095886337, ClinGen allele CA380321583.
Genomic context (GRCh38, chr11:47,339,704, plus strand): 5'-ACAGTACCTGCGTGATAGCCTTCTGCCAGATCACAGTGGGAGCAGGGTCCCCAGAGATAG[G>A]GACGTCCAGACGTAGCTTATTTCCAGCTACAACCACAATGGTGTCTGGTATGCGGCCTGG-3'
Protein context (NP_000247.2, residues 662-682): VAGNKLRLDV[Pro672Ser]ISGDPAPTVI

ClinVar aggregate classification (germline): Uncertain significance (1 of 4 stars; one submission).

Conditions:
Hypertrophic cardiomyopathy. Also called: HYPERTROPHIC MYOCARDIOPATHY. Identifiers: Orphanet 217569, MedGen C0007194, MeSH D002312, MONDO:0005045, HP:0001639.

Allele frequency attached by ClinVar (database versions not stated): gnomAD exomes below 0.00001.
gnomAD v4.1: 2 of 1,613,716 alleles (0.00012%); highest among the groups gnomAD compares: Non-Finnish European, 0.00017%; no homozygotes.

Submission:

Labcorp Genetics (formerly Invitae), Labcorp
Classification: Uncertain significance for Hypertrophic cardiomyopathy. Last evaluated: 2023-06-17. Review status: criteria provided, single submitter. Criteria: Invitae Variant Classification Sherloc (09022015). Collection method: clinical testing. Allele origin: germline.
Comment: This sequence change replaces proline, which is neutral and non-polar, with serine, which is neutral and polar, at codon 672 of the MYBPC3 protein (p.Pro672Ser). In summary, the available evidence is currently insufficient to determine the role of this variant in disease. Therefore, it has been classified as a Variant of Uncertain Significance. An algorithm developed to predict the effect of missense changes on protein structure and function (PolyPhen-2) suggests that this variant is likely to be disruptive. This variant has not been reported in the literature in individuals affected with MYBPC3-related conditions. This variant is not present in population databases (gnomAD no frequency).